The following is an entry in ClinVar:

NM_001258392.3(CLPB):c.1870G>C (p.Glu624Gln)

Gene: CLPB (ClpB family mitochondrial disaggregase; minus strand). Cytogenetic location: 11q13.4.
Variant type: single nucleotide variant.
Coding change: c.1870G>C on transcript NM_001258392.3 (MANE Select); coding-DNA position 1870, G replaced by C.
Protein change: p.Glu624Gln; replaces glutamic acid 624 with glutamine.
Molecular consequence: missense variant.
Genome position (GRCh38, 1-based): chr11:72,293,531, C>G on the plus strand (G>C on the coding strand, the complement: CLPB is on the minus strand). VCF-style: chr11-72293531-C-G. GRCh37 (hg19) VCF-style: chr11-72004575-C-G.
Other names: c.1783G>C, p.Glu595Gln (NM_001258393.3); c.1825G>C, p.Glu609Gln (NM_001258394.3); c.1960G>C, p.Glu654Gln (NM_030813.6); short protein forms E624Q, E654Q, E595Q, E609Q.
Identifiers: ClinVar variation 1029981 (VCV001029981.1), dbSNP rs1949489503, ClinGen allele CA381724334.

ClinVar aggregate classification (germline): Uncertain significance (1 of 4 stars; one submission).

Conditions:
3-methylglutaconic aciduria, type VIIB (MGCA7B). Also called: 3-methylglutaconic aciduria with cataracts, neurologic involvement and neutropenia; 3-methylglutaconic aciduria, type VII, with cataracts, neurologic involvement and neutropenia; CLPB Deficiency. Identifiers: Orphanet 445038, MedGen C5676893, MONDO:0014561, OMIM 616271.

Allele frequency attached by ClinVar (database versions not stated): gnomAD exomes below 0.00001.
gnomAD v4.1: 1 of 1,614,118 alleles (0.000062%); highest among the groups gnomAD compares: Non-Finnish European, 0.000085%; no homozygotes.

Submission:

Baylor Genetics
Classification: Uncertain significance for 3-methylglutaconic aciduria, type VIIB. Last evaluated: 2020-06-08. Review status: criteria provided, single submitter. Criteria: ACMG Guidelines, 2015. Collection method: clinical testing. Allele origin: unknown. Affected: yes.
Comment: This variant was determined to be of uncertain significance according to ACMG Guidelines, 2015 [PMID:25741868].